The following is an entry in ClinVar:

ClinVar aggregate classification (germline): Uncertain significance (1 of 4 stars; one submission).

Conditions:
Aortic aneurysm, familial thoracic 4 (AAT4). Also called: AORTIC ANEURYSM/AORTIC DISSECTION AND PATENT DUCTUS ARTERIOSUS. Identifiers: MedGen C1851504, MONDO:0007568, OMIM 132900.

Allele frequency attached by ClinVar (database versions not stated): ExAC 0.00001.
gnomAD v4.1: 5 of 1,614,020 alleles (0.00031%); highest among the groups gnomAD compares: Admixed American, 0.0017%; no homozygotes.

Submission:

Labcorp Genetics (formerly Invitae), Labcorp
Classification: Uncertain significance for Aortic aneurysm, familial thoracic 4. Last evaluated: 2025-07-13. Review status: criteria provided, single submitter. Criteria: Invitae Variant Classification Sherloc (09022015). Collection method: clinical testing. Allele origin: germline.
Comment: This sequence change falls in intron 33 of the MYH11 gene. It does not directly change the encoded amino acid sequence of the MYH11 protein. It affects a nucleotide within the consensus splice site. This variant is present in population databases (rs780638340, gnomAD 0.003%). This variant has not been reported in the literature in individuals affected with MYH11-related conditions. ClinVar contains an entry for this variant (Variation ID: 2908960). Variants that disrupt the consensus splice site are a relatively common cause of aberrant splicing (PMID: 17576681, 9536098). Algorithms developed to predict the effect of sequence changes on RNA splicing suggest that this variant is not likely to affect RNA splicing. In summary, the available evidence is currently insufficient to determine the role of this variant in disease. Therefore, it has been classified as a Variant of Uncertain Significance.

Literature cited by the submitters: PubMed 17576681; PubMed 9536098.

NM_002474.3(MYH11):c.4578+6T>A

Genes: MYH11 (myosin heavy chain 11; minus strand), NDE1 (nudE neurodevelopment protein 1; plus strand). Cytogenetic location: 16p13.11.
Variant type: single nucleotide variant.
Coding change: c.4578+6T>A on transcript NM_002474.3 (MANE Select); 6 bases into the intron after coding-DNA position 4578, T replaced by A.
Molecular consequence: intron variant.
Genome position (GRCh38, 1-based): chr16:15,721,416, A>T on the plus strand (T>A on the coding strand, the complement: MYH11 is on the minus strand). VCF-style: chr16-15721416-A-T. GRCh37 (hg19) VCF-style: chr16-15815273-A-T.
Other names: c.948-2775A>T (NM_001143979.2, NM_017668.3); c.4578+6T>A (NM_022844.3); c.4599+6T>A (NM_001040114.2, NM_001040113.2).
Identifiers: ClinVar variation 2908960 (VCV002908960.3), dbSNP rs780638340, ClinGen allele CA7921644.